The following is an entry in ClinVar:

NM_203447.4(DOCK8):c.3988C>A (p.Leu1330Ile)

Gene: DOCK8 (dedicator of cytokinesis 8; plus strand). Cytogenetic location: 9p24.3.
Variant type: single nucleotide variant.
Coding change: c.3988C>A on transcript NM_203447.4 (MANE Select); coding-DNA position 3988, C replaced by A.
Protein change: p.Leu1330Ile; replaces leucine 1330 with isoleucine.
Molecular consequence: missense variant.
Genome position (GRCh38, 1-based): chr9:420,548, C>A. VCF-style: chr9-420548-C-A. GRCh37 (hg19) VCF-style: chr9-420548-C-A.
Other names: c.3688C>A, p.Leu1230Ile (NM_001190458.2); c.3784C>A, p.Leu1262Ile (NM_001193536.2); short protein forms L1230I, L1330I, L1262I.
Identifiers: ClinVar variation 2701724 (VCV002701724.3), dbSNP rs148081681, ClinGen allele CA372764091.

ClinVar aggregate classification (germline): Uncertain significance (1 of 4 stars; one submission).

Conditions:
Combined immunodeficiency due to DOCK8 deficiency (HIES2). Also called: HYPER-IgE SYNDROME 2, AUTOSOMAL RECESSIVE, WITH RECURRENT INFECTIONS; DOCK8 Deficiency; HIES autosomal recessive; Hyper-IgE recurrent infection syndrome, autosomal recessive; HYPER-IgE RECURRENT INFECTION SYNDROME 2, AUTOSOMAL RECESSIVE. Identifiers: Orphanet 217390, MedGen C4722305, MONDO:0009478, OMIM 243700.

gnomAD v4.1: 1 of 1,614,054 alleles (0.000062%); highest among the groups gnomAD compares: Non-Finnish European, 0.000085%; no homozygotes.

Submission:

Labcorp Genetics (formerly Invitae), Labcorp
Classification: Uncertain significance for Combined immunodeficiency due to DOCK8 deficiency. Last evaluated: 2023-12-09. Review status: criteria provided, single submitter. Criteria: Invitae Variant Classification Sherloc (09022015). Collection method: clinical testing. Allele origin: germline.
Comment: This sequence change replaces leucine, which is neutral and non-polar, with isoleucine, which is neutral and non-polar, at codon 1330 of the DOCK8 protein (p.Leu1330Ile). This variant is not present in population databases (gnomAD no frequency). This variant has not been reported in the literature in individuals affected with DOCK8-related conditions. Advanced modeling of protein sequence and biophysical properties (such as structural, functional, and spatial information, amino acid conservation, physicochemical variation, residue mobility, and thermodynamic stability) performed at Invitae indicates that this missense variant is not expected to disrupt DOCK8 protein function with a negative predictive value of 80%. In summary, the available evidence is currently insufficient to determine the role of this variant in disease. Therefore, it has been classified as a Variant of Uncertain Significance.